The following is an entry in ClinVar:

ClinVar aggregate classification (germline): Conflicting classifications of pathogenicity. Review status: criteria provided, conflicting classifications (1 of 4 stars). 2 submissions from 2 submitters: Uncertain significance (1); Likely benign (1). Last evaluated 2023-03-23.

Conditions:
Hereditary cancer-predisposing syndrome. Also called: Neoplastic Syndromes, Hereditary; Tumor predisposition; Hereditary neoplastic syndrome; Hereditary Cancer Syndrome. Identifiers: Orphanet 140162, MedGen C0027672, MeSH D009386, MONDO:0015356.
Hereditary breast ovarian cancer syndrome. Also called: BRCA1- and BRCA2-Associated Hereditary Breast and Ovarian Cancer; Hereditary breast and ovarian cancer; Hereditary breast and ovarian cancer syndrome; Hereditary breast and ovarian cancer syndrome (HBOC); Breast and ovarian cancer; Hereditary breast and/or ovarian cancer syndrome. Identifiers: Orphanet 145, MedGen C0677776, MeSH D061325, MONDO:0003582. Disease mechanism: loss of function.

Submissions (2):

University of Washington Department of Laboratory Medicine, University of Washington
Classification: Likely benign for Hereditary cancer-predisposing syndrome. Last evaluated: 2023-03-23. Review status: criteria provided, single submitter. Criteria: Dines et al. (Genet Med. 2020). Collection method: curation. Allele origin: germline.
Comment: Missense variant in a coldspot region where missense variants are very unlikely to be pathogenic (PMID:31911673).

BRCA1 coldspot (exon 11 using historical exon numbering). Reclassification based on statistical prior probability

Labcorp Genetics (formerly Invitae), Labcorp
Classification: Uncertain significance for Hereditary breast ovarian cancer syndrome. Last evaluated: 2021-03-23. Review status: criteria provided, single submitter. Criteria: Invitae Variant Classification Sherloc (09022015). Collection method: clinical testing. Allele origin: germline.
Comment: This variant has not been reported in the literature in individuals with BRCA1-related conditions. In summary, the available evidence is currently insufficient to determine the role of this variant in disease. Therefore, it has been classified as a Variant of Uncertain Significance. Advanced modeling of protein sequence and biophysical properties (such as structural, functional, and spatial information, amino acid conservation, physicochemical variation, residue mobility, and thermodynamic stability) performed at Invitae indicates that this missense variant is not expected to disrupt BRCA1 protein function. This variant is not present in population databases (ExAC no frequency). This sequence change replaces glutamic acid with glycine at codon 1114 of the BRCA1 protein (p.Glu1114Gly). The glutamic acid residue is moderately conserved and there is a moderate physicochemical difference between glutamic acid and glycine.

NM_007294.4(BRCA1):c.3341A>G (p.Glu1114Gly)

Genes: BRCA1 (BRCA1 DNA repair associated; minus strand), LOC126862571 (BRD4-independent group 4 enhancer GRCh37_chr17:41243136-41244335; plus strand). Cytogenetic location: 17q21.31.
Variant type: single nucleotide variant.
Coding change: c.3341A>G on transcript NM_007294.4 (MANE Select); coding-DNA position 3341, A replaced by G.
Protein change: p.Glu1114Gly; replaces glutamic acid 1114 with glycine.
Molecular consequence: missense variant. On other transcripts: intron variant (137).
Genome position (GRCh38, 1-based): chr17:43,092,190, T>C on the plus strand (A>G on the coding strand, the complement: BRCA1 is on the minus strand). VCF-style: chr17-43092190-T-C. GRCh37 (hg19) VCF-style: chr17-41244207-T-C.
Other names: c.3128A>G, p.Glu1043Gly (NM_001407571.1, NM_001407853.1, NM_001407894.1 and 9 more transcripts); c.3341A>G, p.Glu1114Gly (NM_001407581.1, NM_001407582.1, NM_001407583.1 and 30 more transcripts); c.3338A>G, p.Glu1113Gly (NM_001407587.1, NM_001407590.1, NM_001407591.1 and 22 more transcripts); c.3332A>G, p.Glu1111Gly (NM_001407646.1, NM_001407647.1); c.3218A>G, p.Glu1073Gly (NM_001407648.1, NM_001407664.1, NM_001407665.1 and 19 more transcripts); c.3215A>G, p.Glu1072Gly (NM_001407649.1, NM_001407670.1, NM_001407671.1 and 11 more transcripts); c.3263A>G, p.Glu1088Gly (NM_001407653.1, NM_001407654.1, NM_001407655.1 and 4 more transcripts); c.3260A>G, p.Glu1087Gly (NM_001407659.1, NM_001407660.1, NM_001407661.1 and 1 more transcripts); and 41 more; short protein forms E1067G, E1114G, E1026G, E1087G, E1088G, E1113G, E946G, E987G.
Identifiers: ClinVar variation 1352647 (VCV001352647.11), dbSNP rs2154327006, ClinGen allele CA10595294.